The following is an entry in ClinVar:

NM_001112741.2(KCNC1):c.523C>T (p.Arg175Cys)

Gene: KCNC1 (potassium voltage-gated channel subfamily C member 1; plus strand). Cytogenetic location: 11p15.1.
Variant type: single nucleotide variant.
Coding change: c.523C>T on transcript NM_001112741.2 (MANE Select); coding-DNA position 523, C replaced by T.
Protein change: p.Arg175Cys; replaces arginine 175 with cysteine.
Molecular consequence: missense variant.
Genome position (GRCh38, 1-based): chr11:17,736,525, C>T. VCF-style: chr11-17736525-C-T. GRCh37 (hg19) VCF-style: chr11-17758072-C-T.
Other names: c.523C>T, p.Arg175Cys (NM_004976.4); short protein forms R175C.
Identifiers: ClinVar variation 650855 (VCV000650855.11), dbSNP rs1197911307, ClinGen allele CA379801938.
Genomic context (GRCh38, chr11:17,736,525, plus strand): 5'-CTGGCGCTCAGTGACTCCCCGGATGGCCGGCCTGGCGGCTTTTGGCGCCGCTGGCAGCCG[C>T]GCATCTGGGCGCTCTTCGAGGACCCGTACTCGTCCCGCTACGCGCGGGTAAGTGACAATT-3'
Protein context (NP_001106212.1, residues 165-185): PGGFWRRWQP[Arg175Cys]IWALFEDPYS

ClinVar aggregate classification (germline): Uncertain significance (1 of 4 stars; one submission).

Conditions:
Progressive myoclonic epilepsy type 7. Identifiers: Orphanet 435438, MedGen C4015420, MONDO:0014521, OMIM 616187.

Allele frequency attached by ClinVar (database versions not stated): gnomAD 0.00001; gnomAD exomes 0.00001; TOPMed 0.00002.
gnomAD v4.1: 7 of 1,581,420 alleles (0.00044%); highest among the groups gnomAD compares: Admixed American, 0.0018%; no homozygotes.

Submission:

Labcorp Genetics (formerly Invitae), Labcorp
Classification: Uncertain significance for Progressive myoclonic epilepsy type 7. Last evaluated: 2024-12-28. Review status: criteria provided, single submitter. Criteria: Invitae Variant Classification Sherloc (09022015). Collection method: clinical testing. Allele origin: germline.
Comment: This sequence change replaces arginine, which is basic and polar, with cysteine, which is neutral and slightly polar, at codon 175 of the KCNC1 protein (p.Arg175Cys). The frequency data for this variant in the population databases is considered unreliable, as metrics indicate poor data quality at this position in the gnomAD database. This missense change has been observed in individual(s) with autism spectrum disorder and epilepsy (internal data). It has also been observed to segregate with disease in related individuals. ClinVar contains an entry for this variant (Variation ID: 650855). Invitae Evidence Modeling of protein sequence and biophysical properties (such as structural, functional, and spatial information, amino acid conservation, physicochemical variation, residue mobility, and thermodynamic stability) indicates that this missense variant is not expected to disrupt KCNC1 protein function with a negative predictive value of 80%. In summary, the available evidence is currently insufficient to determine the role of this variant in disease. Therefore, it has been classified as a Variant of Uncertain Significance.